The following is an entry in ClinVar:

NM_003742.4(ABCB11):c.934C>T (p.Gln312Ter)

Gene: ABCB11 (ATP binding cassette subfamily B member 11; minus strand). Cytogenetic location: 2q31.1.
Variant type: single nucleotide variant.
Coding change: c.934C>T on transcript NM_003742.4 (MANE Select); coding-DNA position 934, C replaced by T.
Protein change: p.Gln312Ter; replaces glutamine 312 with a stop codon.
Molecular consequence: nonsense.
Genome position (GRCh38, 1-based): chr2:168,986,259, G>A on the plus strand (C>T on the coding strand, the complement: ABCB11 is on the minus strand). VCF-style: chr2-168986259-G-A. GRCh37 (hg19) VCF-style: chr2-169842769-G-A.
Other names: short protein forms Q312*.
Identifiers: ClinVar variation 2029879 (VCV002029879.4), dbSNP rs2545432219, ClinGen allele CA349124593.

ClinVar aggregate classification (germline): Pathogenic (1 of 4 stars; one submission).

Submission:

Labcorp Genetics (formerly Invitae), Labcorp
Classification: Pathogenic. Last evaluated: 2022-09-10. Review status: criteria provided, single submitter. Criteria: Invitae Variant Classification Sherloc (09022015). Collection method: clinical testing. Allele origin: germline.
Comment: For these reasons, this variant has been classified as Pathogenic. This variant has not been reported in the literature in individuals affected with ABCB11-related conditions. This variant is not present in population databases (gnomAD no frequency). This sequence change creates a premature translational stop signal (p.Gln312*) in the ABCB11 gene. It is expected to result in an absent or disrupted protein product. Loss-of-function variants in ABCB11 are known to be pathogenic (PMID: 18395098, 20232290).

Literature cited by the submitters: PubMed 18395098; PubMed 20232290.